The following is an entry in ClinVar:

ClinVar aggregate classification (germline): Uncertain significance (1 of 4 stars; one submission).

Submission:

Labcorp Genetics (formerly Invitae), Labcorp
Classification: Uncertain significance. Last evaluated: 2022-08-08. Review status: criteria provided, single submitter. Criteria: Invitae Variant Classification Sherloc (09022015). Collection method: clinical testing. Allele origin: germline.
Comment: This sequence change replaces aspartic acid, which is acidic and polar, with asparagine, which is neutral and polar, at codon 934 of the ADAMTSL4 protein (p.Asp934Asn). This variant is not present in population databases (gnomAD no frequency). This variant has not been reported in the literature in individuals affected with ADAMTSL4-related conditions. Algorithms developed to predict the effect of missense changes on protein structure and function are either unavailable or do not agree on the potential impact of this missense change (SIFT: "Deleterious"; PolyPhen-2: "Possibly Damaging"; Align-GVGD: "Class C15"). In summary, the available evidence is currently insufficient to determine the role of this variant in disease. Therefore, it has been classified as a Variant of Uncertain Significance.

NM_019032.6(ADAMTSL4):c.2800G>A (p.Asp934Asn)

Gene: ADAMTSL4 (ADAMTS like 4; plus strand). Cytogenetic location: 1q21.2.
Variant type: single nucleotide variant.
Coding change: c.2800G>A on transcript NM_019032.6 (MANE Select); coding-DNA position 2800, G replaced by A.
Protein change: p.Asp934Asn; replaces aspartic acid 934 with asparagine.
Molecular consequence: missense variant.
Genome position (GRCh38, 1-based): chr1:150,559,323, G>A. VCF-style: chr1-150559323-G-A. GRCh37 (hg19) VCF-style: chr1-150531799-G-A.
Other names: c.2683G>A, p.Asp895Asn (NM_001288607.2); c.2869G>A, p.Asp957Asn (NM_001288608.2); c.2800G>A, p.Asp934Asn (NM_001378596.1); short protein forms D895N, D934N, D957N.
Identifiers: ClinVar variation 1715775 (VCV001715775.5), dbSNP rs2526786402, ClinGen allele CA342317140.